The following is an entry in ClinVar:

NM_000334.4(SCN4A):c.3906G>C (p.Lys1302Asn)

Genes: GH-LCR (growth hormone locus control region; plus strand), SCN4A (sodium voltage-gated channel alpha subunit 4; minus strand). Cytogenetic location: 17q23.3.
Variant type: single nucleotide variant.
Coding change: c.3906G>C on transcript NM_000334.4 (MANE Select); coding-DNA position 3906, G replaced by C.
Protein change: p.Lys1302Asn; replaces lysine 1302 with asparagine.
Molecular consequence: missense variant.
Genome position (GRCh38, 1-based): chr17:63,944,679, C>G on the plus strand (G>C on the coding strand, the complement: SCN4A is on the minus strand). VCF-style: chr17-63944679-C-G. GRCh37 (hg19) VCF-style: chr17-62022039-C-G.
Other names: short protein forms K1302N.
Identifiers: ClinVar variation 2727636 (VCV002727636.3), dbSNP rs267604990, ClinGen allele CA400617221.
Genomic context (GRCh38, chr17:63,944,679, plus strand): 5'-GGCAGGAGGGAGGCCCAGCACCGGGAGGGCCCGAGGGGCTGGGCTGATACTCATCTTCTT[C>G]TTCTGCTGGTTGAAGTTGTCAATGATGACGCCAATGAAGAGGTTGAGGGTGAAGAAGGAG-3'
Protein context (NP_000325.4, residues 1292-1312): GVIIDNFNQQ[Lys1302Asn]KKLGGKDIFM

ClinVar aggregate classification (germline): Uncertain significance (1 of 4 stars; one submission).

Conditions:
Hyperkalemic periodic paralysis. Also called: Familial hyperkalemic periodic paralysis; Gamstorp disease. Identifiers: Orphanet 682, MedGen C0238357, MONDO:0008224, OMIM 170500, HP:0007215.

Submission:

Labcorp Genetics (formerly Invitae), Labcorp
Classification: Uncertain significance for Hyperkalemic periodic paralysis. Last evaluated: 2023-06-24. Review status: criteria provided, single submitter. Criteria: Invitae Variant Classification Sherloc (09022015). Collection method: clinical testing. Allele origin: germline.
Comment: In summary, the available evidence is currently insufficient to determine the role of this variant in disease. Therefore, it has been classified as a Variant of Uncertain Significance. Advanced modeling of protein sequence and biophysical properties (such as structural, functional, and spatial information, amino acid conservation, physicochemical variation, residue mobility, and thermodynamic stability) performed at Invitae indicates that this missense variant is expected to disrupt SCN4A protein function. This variant has not been reported in the literature in individuals affected with SCN4A-related conditions. This variant is not present in population databases (gnomAD no frequency). This sequence change replaces lysine, which is basic and polar, with asparagine, which is neutral and polar, at codon 1302 of the SCN4A protein (p.Lys1302Asn).